The following is an entry in ClinVar:

ClinVar aggregate classification (germline): Pathogenic (1 of 4 stars; one submission).

Conditions:
Neurofibromatosis, type 1 (NF1). Also called: VON RECKLINGHAUSEN DISEASE; Peripheral type neurofibromatosis; NEUROFIBROMATOSIS, TYPE I, SOMATIC; Neurofibromatosis, type I. Identifiers: Orphanet 636, MedGen C0027831, MONDO:0018975, OMIM 162200. Disease mechanism: loss of function.

Submission:

Labcorp Genetics (formerly Invitae), Labcorp
Classification: Pathogenic for Neurofibromatosis, type 1. Last evaluated: 2025-11-23. Review status: criteria provided, single submitter. Criteria: Invitae Variant Classification Sherloc (09022015). Collection method: clinical testing. Allele origin: germline.
Comment: This sequence change creates a premature translational stop signal (p.Leu792Profs*2) in the NF1 gene. It is expected to result in an absent or disrupted protein product. Loss-of-function variants in NF1 are known to be pathogenic (PMID: 10712197, 23913538). This variant is not present in population databases (gnomAD no frequency). This variant has not been reported in the literature in individuals affected with NF1-related conditions. For these reasons, this variant has been classified as Pathogenic.

Literature cited by the submitters: PubMed 10712197; PubMed 23913538.

NM_001042492.3(NF1):c.2374dup (p.Leu792fs)

Gene: NF1 (neurofibromin 1; plus strand). Cytogenetic location: 17q11.2.
Variant type: Duplication.
Coding change: c.2374dup on transcript NM_001042492.3 (MANE Select); coding-DNA position 2374, one base duplicated (C; older notation c.2374dupC).
Protein change: p.Leu792fs; shifts the reading frame from leucine 792.
Molecular consequence: frameshift variant.
Genome position (GRCh38, 1-based): chr17:31,227,571, C duplicated; the last of 2 consecutive C bases (chr17:31,227,570-31,227,571); duplicating either gives the same sequence. VCF-style (leftmost placement, unchanged base first): chr17-31227569-T-TC. GRCh37 (hg19) VCF-style: chr17-29554587-T-TC.
Other names: c.2374dup, p.Leu792fs (NM_000267.4); short protein forms L792fs.
Identifiers: ClinVar variation 4731722 (VCV004731722.1).
Genomic context (GRCh38, chr17:31,227,569, plus strand): 5'-TGCCTTCATTTTAGGCTTGGGAAGATACACATGCAAAATGGGAACAAGCAACAAAGCTAA[T>TC]CCTTAACTATCCAAAAGCCAAAATGGAAGATGGCCAGGTAAGTCTGTAAAGTTGACTTTT-3'